The following is an entry in ClinVar:

NM_002608.4(PDGFB):c.449C>T (p.Pro150Leu)

Gene: PDGFB (platelet derived growth factor subunit B; minus strand). Cytogenetic location: 22q13.1.
Variant type: single nucleotide variant.
Coding change: c.449C>T on transcript NM_002608.4 (MANE Select); coding-DNA position 449, C replaced by T.
Protein change: p.Pro150Leu; replaces proline 150 with leucine.
Molecular consequence: missense variant.
Genome position (GRCh38, 1-based): chr22:39,231,629, G>A on the plus strand (C>T on the coding strand, the complement: PDGFB is on the minus strand). VCF-style: chr22-39231629-G-A. GRCh37 (hg19) VCF-style: chr22-39627634-G-A.
Other names: c.404C>T, p.Pro135Leu (NM_033016.3); short protein forms P135L, P150L.
Identifiers: ClinVar variation 2860967 (VCV002860967.3), dbSNP rs2517761801, ClinGen allele CA411600426.

ClinVar aggregate classification (germline): Uncertain significance (1 of 4 stars; one submission).

Allele frequency attached by ClinVar (database versions not stated): gnomAD exomes below 0.00001.
gnomAD v4.1: 1 of 1,565,136 alleles (0.000064%); highest among the groups gnomAD compares: Non-Finnish European, 0.000086%; no homozygotes.

Submission:

Labcorp Genetics (formerly Invitae), Labcorp
Classification: Uncertain significance. Last evaluated: 2023-05-09. Review status: criteria provided, single submitter. Criteria: Invitae Variant Classification Sherloc (09022015). Collection method: clinical testing. Allele origin: germline.
Comment: This sequence change replaces proline, which is neutral and non-polar, with leucine, which is neutral and non-polar, at codon 150 of the PDGFB protein (p.Pro150Leu). This variant is not present in population databases (gnomAD no frequency). This variant has not been reported in the literature in individuals affected with PDGFB-related conditions. Advanced modeling of protein sequence and biophysical properties (such as structural, functional, and spatial information, amino acid conservation, physicochemical variation, residue mobility, and thermodynamic stability) performed at Invitae indicates that this missense variant is not expected to disrupt PDGFB protein function. In summary, the available evidence is currently insufficient to determine the role of this variant in disease. Therefore, it has been classified as a Variant of Uncertain Significance.